The following is an entry in ClinVar:

NM_002834.5(PTPN11):c.525+6T>A

Gene: PTPN11 (protein tyrosine phosphatase non-receptor type 11; plus strand). Cytogenetic location: 12q24.13.
Variant type: single nucleotide variant.
Coding change: c.525+6T>A on transcript NM_002834.5 (MANE Select); 6 bases into the intron after coding-DNA position 525, T replaced by A.
Molecular consequence: intron variant.
Genome position (GRCh38, 1-based): chr12:112,453,393, T>A. VCF-style: chr12-112453393-T-A. GRCh37 (hg19) VCF-style: chr12-112891197-T-A.
Other names: c.525+6T>A (NM_001330437.2, NM_080601.3); c.522+6T>A (NM_001374625.1).
Identifiers: ClinVar variation 1449413 (VCV001449413.6), dbSNP rs370878456, ClinGen allele CA2573148014.

ClinVar aggregate classification (germline): Uncertain significance (1 of 4 stars; one submission).

Conditions:
RASopathy. Also called: Noonan spectrum disorder; rasopathies. Identifiers: Orphanet 536391, MedGen C5555857, MONDO:0021060.

gnomAD v4.1: 3 of 1,613,830 alleles (0.00019%); highest among the groups gnomAD compares: Non-Finnish European, 0.00025%; no homozygotes.

Submission:

Labcorp Genetics (formerly Invitae), Labcorp
Classification: Uncertain significance for RASopathy. Last evaluated: 2026-01-12. Review status: criteria provided, single submitter. Criteria: Invitae Variant Classification Sherloc (09022015). Collection method: clinical testing. Allele origin: germline.
Comment: This sequence change falls in intron 4 of the PTPN11 gene. It does not directly change the encoded amino acid sequence of the PTPN11 protein. It affects a nucleotide within the consensus splice site. This variant is not present in population databases (gnomAD no frequency). This variant has not been reported in the literature in individuals affected with PTPN11-related conditions. ClinVar contains an entry for this variant (Variation ID: 1449413). Variants that disrupt the consensus splice site are a relatively common cause of aberrant splicing (PMID: 17576681, 9536098). Algorithms developed to predict the effect of sequence changes on RNA splicing suggest that this variant is not likely to affect RNA splicing. In summary, the available evidence is currently insufficient to determine the role of this variant in disease. Therefore, it has been classified as a Variant of Uncertain Significance.

Literature cited by the submitters: PubMed 17576681; PubMed 9536098.